The following is an entry in ClinVar:

ClinVar aggregate classification (germline): Uncertain significance (1 of 4 stars; one submission).

Conditions:
BRSK2-related disorder. Also called: BRSK2-related condition; BRSK2-Related Disorders.

Submission:

Clinical Genomics Laboratory, Washington University in St. Louis
Classification: Uncertain significance for BRSK2-related disorder. Last evaluated: 2025-11-10. Review status: criteria provided, single submitter. Criteria: ACMG Guidelines, 2015. Collection method: clinical testing. Allele origin: germline.
Comment: The BRSK2 c.1996C>T (p.Pro666Ser) variant, which corresponds to c.*255C>T on the MANE transcript (NM_001256627.2), to our knowledge, has not been reported in the medical literature. This variant is absent from the general population (gnomAD v.2.1.1), indicating it is not a common variant. Computational predictors suggest that the variant does not impact BRSK2 function. The transcript with the variant within exon 20 is reported to be expressed in the brain. Due to limited information, and based on ACMG/AMP guidelines for variant interpretation (Richards S et al., PMID: 25741868), the clinical significance of this variant is uncertain at this time.

Literature cited by the submitters: PubMed 30879638; PubMed 37671287.

NM_001256627.2(BRSK2):c.*255C>T

Gene: BRSK2 (BR serine/threonine kinase 2; plus strand). Cytogenetic location: 11p15.5.
Variant type: single nucleotide variant.
Coding change: c.*255C>T on transcript NM_001256627.2 (MANE Select); 255 bases downstream of the stop codon, C replaced by T.
Molecular consequence: 3 prime UTR variant. On other transcripts: missense variant (12), non-coding transcript variant (1).
Genome position (GRCh38, 1-based): chr11:1,460,978, C>T. VCF-style: chr11-1460978-C-T. GRCh37 (hg19) VCF-style: chr11-1482208-C-T.
Other names: c.*18C>T (NM_001256629.2, NM_001282218.2); c.*255C>T (NM_001256630.1, NM_001440669.1); c.2428C>T, p.Pro810Ser (NM_001440665.1); c.2362C>T, p.Pro788Ser (NM_001440666.1); c.2134C>T, p.Pro712Ser (NM_001440667.1); c.2062C>T, p.Pro688Ser (NM_001440668.1); c.2014C>T, p.Pro672Ser (NM_001440670.1); c.1882C>T, p.Pro628Ser (NM_001440671.1); and 4 more; short protein forms P590S, P606S, P612S, P628S, P666S, P672S, P688S, P712S.
Identifiers: ClinVar variation 4879249 (VCV004879249.1).